The following is an entry in ClinVar:

ClinVar aggregate classification (germline): Uncertain significance (1 of 4 stars; one submission).

Allele frequency attached by ClinVar (database versions not stated): gnomAD exomes below 0.00001.
gnomAD v4.1: 6 of 1,600,888 alleles (0.00037%); highest among the groups gnomAD compares: Middle Eastern, 0.017%; no homozygotes.

Submission:

Labcorp Genetics (formerly Invitae), Labcorp
Classification: Uncertain significance. Last evaluated: 2022-12-25. Review status: criteria provided, single submitter. Criteria: Invitae Variant Classification Sherloc (09022015). Collection method: clinical testing. Allele origin: germline.
Comment: This sequence change replaces glutamic acid, which is acidic and polar, with aspartic acid, which is acidic and polar, at codon 548 of the ERBIN protein (p.Glu548Asp). This variant is not present in population databases (gnomAD no frequency). This variant has not been reported in the literature in individuals affected with ERBIN-related conditions. Algorithms developed to predict the effect of missense changes on protein structure and function output the following: SIFT: "Tolerated"; PolyPhen-2: "Benign"; Align-GVGD: "Class C0". The aspartic acid amino acid residue is found in multiple mammalian species, which suggests that this missense change does not adversely affect protein function. In summary, the available evidence is currently insufficient to determine the role of this variant in disease. Therefore, it has been classified as a Variant of Uncertain Significance.

NM_001253697.2(ERBIN):c.1644A>C (p.Glu548Asp)

Gene: ERBIN (erbb2 interacting protein; plus strand). Cytogenetic location: 5q12.3.
Variant type: single nucleotide variant.
Coding change: c.1644A>C on transcript NM_001253697.2 (MANE Select); coding-DNA position 1644, A replaced by C.
Protein change: p.Glu548Asp; replaces glutamic acid 548 with aspartic acid.
Molecular consequence: missense variant.
Genome position (GRCh38, 1-based): chr5:66,046,394, A>C. VCF-style: chr5-66046394-A-C. GRCh37 (hg19) VCF-style: chr5-65342222-A-C.
Other names: c.1644A>C, p.Glu548Asp (NM_001006600.3, NM_001253698.2, NM_001253699.2 and 1 more transcripts); c.1632A>C, p.Glu544Asp (NM_001253701.2); short protein forms E544D, E548D.
Identifiers: ClinVar variation 2975420 (VCV002975420.3), dbSNP rs1758444079, ClinGen allele CA359862375.
Genomic context (GRCh38, chr5:66,046,394, plus strand): 5'-TATCTTTTCTTTTACTTAGACCTCAGAAAGTACTACTACAGTAAAAAGCAAAGTTGATGA[A>C]AGAGAAAAATATATGATAGGAAACTCTGTACAGAAGATCAGTGAACCTGAAGCTGAGATT-3'
Protein context (NP_001240626.1, residues 538-558): STTTVKSKVD[Glu548Asp]REKYMIGNSV